The following is an entry in ClinVar:

ClinVar aggregate classification (germline): Uncertain significance (1 of 4 stars; one submission).

Allele frequency attached by ClinVar (database versions not stated): gnomAD exomes below 0.00001.
gnomAD v4.1: 2 of 1,610,924 alleles (0.00012%); highest among the groups gnomAD compares: African/African-American, 0.0013%; no homozygotes.

Submission:

Labcorp Genetics (formerly Invitae), Labcorp
Classification: Uncertain significance. Last evaluated: 2022-07-14. Review status: criteria provided, single submitter. Criteria: Invitae Variant Classification Sherloc (09022015). Collection method: clinical testing. Allele origin: germline.
Comment: This sequence change replaces alanine, which is neutral and non-polar, with aspartic acid, which is acidic and polar, at codon 3246 of the ADGRV1 protein (p.Ala3246Asp). This variant is not present in population databases (gnomAD no frequency). This variant has not been reported in the literature in individuals affected with ADGRV1-related conditions. Algorithms developed to predict the effect of missense changes on protein structure and function (SIFT, PolyPhen-2, Align-GVGD) all suggest that this variant is likely to be disruptive. In summary, the available evidence is currently insufficient to determine the role of this variant in disease. Therefore, it has been classified as a Variant of Uncertain Significance.

NM_032119.4(ADGRV1):c.9737C>A (p.Ala3246Asp)

Gene: ADGRV1 (adhesion G protein-coupled receptor V1; plus strand). Cytogenetic location: 5q14.3.
Variant type: single nucleotide variant.
Coding change: c.9737C>A on transcript NM_032119.4 (MANE Select); coding-DNA position 9737, C replaced by A.
Protein change: p.Ala3246Asp; replaces alanine 3246 with aspartic acid.
Molecular consequence: missense variant. On other transcripts: non-coding transcript variant (1).
Genome position (GRCh38, 1-based): chr5:90,721,048, C>A. VCF-style: chr5-90721048-C-A. GRCh37 (hg19) VCF-style: chr5-90016865-C-A.
Other names: short protein forms A3246D.
Identifiers: ClinVar variation 2017020 (VCV002017020.4), dbSNP rs759266189, ClinGen allele CA360401121.